The following is an entry in ClinVar:

ClinVar aggregate classification (germline): Uncertain significance (1 of 4 stars; one submission).

Submission:

Ambry Genetics
Classification: Uncertain significance. Last evaluated: 2025-02-28. Review status: criteria provided, single submitter. Criteria: Ambry Variant Classification Scheme 2023. Collection method: clinical testing. Allele origin: germline.
Comment: The p.P799S variant (also known as c.2395C>T), located in coding exon 11 of the WNK2 gene, results from a C to T substitution at nucleotide position 2395. The proline at codon 799 is replaced by serine, an amino acid with similar properties. This amino acid position is conserved. In addition, the in silico prediction for this alteration is inconclusive. Based on the available evidence, the clinical significance of this variant remains unclear.

NM_006648.4(WNK2):c.2395C>T (p.Pro799Ser)

Gene: WNK2 (WNK lysine deficient protein kinase 2; plus strand). Cytogenetic location: 9q22.31.
Variant type: single nucleotide variant.
Coding change: c.2395C>T on transcript NM_006648.4 (MANE Select); coding-DNA position 2395, C replaced by T.
Protein change: p.Pro799Ser; replaces proline 799 with serine.
Molecular consequence: missense variant.
Genome position (GRCh38, 1-based): chr9:93,258,943, C>T. VCF-style: chr9-93258943-C-T. GRCh37 (hg19) VCF-style: chr9-96021225-C-T.
Other names: c.2395C>T, p.Pro799Ser (NM_001282394.3); short protein forms P799S.
Identifiers: ClinVar variation 3817184 (VCV003817184.1).